The following is an entry in ClinVar:

NM_000426.4(LAMA2):c.6088dup (p.Thr2030fs)

Genes: LAMA2 (laminin subunit alpha 2; plus strand), LOC123864065 (Sharpr-MPRA regulatory region 661; plus strand). Cytogenetic location: 6q22.33.
Variant type: Duplication.
Coding change: c.6088dup on transcript NM_000426.4 (MANE Select); coding-DNA position 6088, one base duplicated (A; older notation c.6088dupA).
Protein change: p.Thr2030fs; shifts the reading frame from threonine 2030.
Molecular consequence: frameshift variant.
Genome position (GRCh38, 1-based): chr6:129,440,818, A duplicated. VCF-style (leftmost placement, unchanged base first): chr6-129440817-T-TA. GRCh37 (hg19) VCF-style: chr6-129761962-T-TA.
Other names: c.6088dup, p.Thr2030fs (NM_001079823.2); short protein forms T2030fs.
Identifiers: ClinVar variation 5014002 (VCV005014002.1).

ClinVar aggregate classification (germline): Pathogenic (1 of 4 stars; one submission).

Conditions:
LAMA2-related muscular dystrophy (LAMA2-RD). Also called: Laminin alpha 2-related dystrophy. Identifiers: MedGen C5679788, MONDO:0100228.

Submission:

Myriad Genetics, Inc.
Classification: Pathogenic for LAMA2-related muscular dystrophy. Last evaluated: 2025-01-22. Review status: criteria provided, single submitter. Criteria: Myriad Autosomal Dominant, Autosomal Recessive and X-Linked Classification Criteria (2023). Collection method: clinical testing. Allele origin: unknown.
Comment: NM_000426.3(LAMA2):c.6088dupA(T2030Nfs*4) is expected to be pathogenic in the context of muscular dystrophy, LAMA2-related. This variant is predicted to lead to an abnormal or absent protein product due to the creation of a premature termination codon in LAMA2, a gene where loss-of-function variants are known to be pathogenic. Please note: this variant was assessed in the context of healthy population screening.